The following is an entry in ClinVar:

NR_003051.4(RMRP):n.101C>T

Gene: RMRP (RNA component of mitochondrial RNA processing endoribonuclease; minus strand). Cytogenetic location: 9p13.3.
Variant type: single nucleotide variant.
Genome position: GRCh38 VCF-style: chr9-35657919-G-A. GRCh37 (hg19) VCF-style: chr9-35657916-G-A.
Identifiers: ClinVar variation 555449 (VCV000555449.7), dbSNP rs536333075, ClinGen allele CA5045849.

ClinVar aggregate classification (germline): Conflicting classifications of pathogenicity. Review status: criteria provided, conflicting classifications (1 of 4 stars). 4 submissions from 4 submitters: Likely pathogenic (1); Uncertain significance (2). 1 of the submissions does not count toward it. Last evaluated 2026-01-29.

Conditions:
Anauxetic dysplasia. Identifiers: Orphanet 93347, MedGen C1846796, MONDO:0011773.
Metaphyseal chondrodysplasia, McKusick type (CHH). Also called: Cartilage-hair hypoplasia; Cartilage-Hair Hypoplasia (CHH). Identifiers: Orphanet 175, MedGen C0220748, MONDO:0009595, OMIM 250250.

Allele frequency attached by ClinVar (database versions not stated): TOPMed 0.00001; ExAC 0.00009; 1000 Genomes Project 30x 0.00016; 1000 Genomes Project 0.00020.
gnomAD v4.1: 28 of 700,456 alleles (0.004%); highest among the groups gnomAD compares: South Asian, 0.019%; no homozygotes.

Submissions (4):

Labcorp Genetics (formerly Invitae), Labcorp
Classification: Uncertain significance for Anauxetic dysplasia. Last evaluated: 2026-01-29. Review status: criteria provided, single submitter. Criteria: Invitae Variant Classification Sherloc (09022015). Collection method: clinical testing. Allele origin: germline.
Comment: This variant occurs in the RMRP gene, which encodes an RNA molecule that does not result in a protein product. This variant is present in population databases (rs536333075, gnomAD 0.02%). This variant has been observed in individual(s) with cartilage-hair hypoplasia (PMID: 21813924). It has also been observed to segregate with disease in related individuals. This variant is also known as c.99C>T. ClinVar contains an entry for this variant (Variation ID: 555449). Experimental studies and prediction algorithms are not available or were not evaluated, and the functional significance of this variant is currently unknown. In summary, the available evidence is currently insufficient to determine the role of this variant in disease. Therefore, it has been classified as a Variant of Uncertain Significance.

Natera, Inc.
Classification: Likely pathogenic for Cartilage-hair hypoplasia. Last evaluated: 2025-11-12. Review status: criteria provided, single submitter. Criteria: Natera Variant Classification Schema (03/2026). Collection method: clinical testing. Allele origin: germline.
Comment: The n.100C>T variant in RMRP is characterized as a single nucleotide variant (SNV). This variant is rare in the general population with a frequency below the threshold expected for the associated phenotype(s). This variant has been observed in one or more individuals affected with the associated recessive disease, as either homozygous or compound heterozygous with a second variant (PMID: 30408610). Additionally, this variant has been observed to segregate in affected family members (PMID: 30408610). Given the available evidence, this variant is classified as Likely Pathogenic.

Women's Health and Genetics/Laboratory Corporation of America, LabCorp
Classification: Uncertain significance. Last evaluated: 2024-07-30. Review status: criteria provided, single submitter. Criteria: LabCorp Variant Classification Summary - May 2015. Collection method: clinical testing. Allele origin: germline.
Comment: Variant summary: RMRP n.100C>T alters a nucleotide in the non-coding RNA. The variant allele was found at a frequency of 8.4e-05 in 130502 control chromosomes (gnomAD). This frequency is not significantly higher than estimated for a pathogenic variant in RMRP causing Cartilage-Hair Hypoplasia (8.4e-05 vs 0.0072), allowing no conclusion about variant significance. n.100C>T has been reported in the literature in individuals affected with Cartilage-Hair Hypoplasia or Metaphyseal dysplasia without hypotrichosis (Reicherter_2011, Namgoong_2021). These data indicate that the variant may be associated with disease. To our knowledge, no experimental evidence demonstrating an impact on protein function has been reported. The following publications have been ascertained in the context of this evaluation (PMID: 21813924, 33303724). ClinVar contains an entry for this variant (Variation ID: 555449). Based on the evidence outlined above, the variant was classified as VUS-possibly pathogenic.

Counsyl
Classification: Uncertain significance for Metaphyseal chondrodysplasia, McKusick type. Last evaluated: 2017-12-07. Review status: no assertion criteria provided. Collection method: clinical testing. Allele origin: unknown. Not counted in ClinVar's aggregate classification.

Literature cited by the submitters: PubMed 21813924 (cited by 3 submitters); PubMed 30408610 (cited by Natera, Inc.); PubMed 33303724 (cited by Women's Health and Genetics/Laboratory Corporation of America, LabCorp).